The following is an entry in ClinVar:

NM_001083962.2(TCF4):c.1972C>T (p.His658Tyr)

Gene: TCF4 (transcription factor 4; minus strand). Cytogenetic location: 18q21.2.
Variant type: single nucleotide variant.
Coding change: c.1972C>T on transcript NM_001083962.2 (MANE Select); coding-DNA position 1972, C replaced by T.
Protein change: p.His658Tyr; replaces histidine 658 with tyrosine.
Molecular consequence: missense variant.
Genome position (GRCh38, 1-based): chr18:55,228,269, G>A on the plus strand (C>T on the coding strand, the complement: TCF4 is on the minus strand). VCF-style: chr18-55228269-G-A. GRCh37 (hg19) VCF-style: chr18-52895500-G-A.
Other names: c.2278C>T, p.His760Tyr (NM_001243226.3); c.1900C>T, p.His634Tyr (NM_001243227.2, NM_001348217.1, NM_001348218.2 and 1 more transcripts); c.1990C>T, p.His664Tyr (NM_001243228.2); c.1951C>T, p.His651Tyr (NM_001243230.2); c.1834C>T, p.His612Tyr (NM_001243231.2); c.1759C>T, p.His587Tyr (NM_001243232.1); c.1570C>T, p.His524Tyr (NM_001243233.2, NM_001348212.2); c.1492C>T, p.His498Tyr (NM_001243234.2, NM_001348216.2); and 14 more; short protein forms H442Y, H493Y, H494Y, H498Y, H524Y, H528Y, H583Y, H587Y.
Identifiers: ClinVar variation 3906611 (VCV003906611.1).

ClinVar aggregate classification (germline): Uncertain significance (1 of 4 stars; one submission).

Submission:

GeneDx
Classification: Uncertain significance. Last evaluated: 2024-12-14. Review status: criteria provided, single submitter. Criteria: GeneDx Variant Classification Process June 2021. Collection method: clinical testing. Allele origin: germline. Affected: yes.
Comment: In silico analysis supports that this missense variant has a deleterious effect on protein structure/function; Not observed at significant frequency in large population cohorts (gnomAD); Has not been previously published as pathogenic or benign to our knowledge